The following is an entry in ClinVar:

ClinVar aggregate classification (germline): Uncertain significance (1 of 4 stars; one submission).

gnomAD v4.1: 3 of 1,551,272 alleles (0.00019%); highest among the groups gnomAD compares: Non-Finnish European, 0.00017%; no homozygotes.

Submission:

Labcorp Genetics (formerly Invitae), Labcorp
Classification: Uncertain significance. Last evaluated: 2025-07-13. Review status: criteria provided, single submitter. Criteria: Invitae Variant Classification Sherloc (09022015). Collection method: clinical testing. Allele origin: germline.
Comment: This sequence change replaces aspartic acid, which is acidic and polar, with alanine, which is neutral and non-polar, at codon 239 of the DTHD1 protein (p.Asp239Ala). This variant is not present in population databases (gnomAD no frequency). This variant has not been reported in the literature in individuals affected with DTHD1-related conditions. An algorithm developed to predict the effect of missense changes on protein structure and function (PolyPhen-2) suggests that this variant is likely to be disruptive. In summary, the available evidence is currently insufficient to determine the role of this variant in disease. Therefore, it has been classified as a Variant of Uncertain Significance.

NM_001170700.3(DTHD1):c.1586A>C (p.Asp529Ala)

Gene: DTHD1 (death domain containing 1; plus strand). Cytogenetic location: 4p14.
Variant type: single nucleotide variant.
Coding change: c.1586A>C on transcript NM_001170700.3 (MANE Select); coding-DNA position 1586, A replaced by C.
Protein change: p.Asp529Ala; replaces aspartic acid 529 with alanine.
Molecular consequence: missense variant. On other transcripts: non-coding transcript variant (2).
Genome position (GRCh38, 1-based): chr4:36,294,982, A>C. VCF-style: chr4-36294982-A-C. GRCh37 (hg19) VCF-style: chr4-36296604-A-C.
Other names: c.716A>C, p.Asp239Ala (NM_001136536.5); c.653A>C, p.Asp218Ala (NM_001378435.1); short protein forms D218A, D239A, D529A.
Identifiers: ClinVar variation 4737484 (VCV004737484.1).